The following is an entry in ClinVar:

NM_000257.4(MYH7):c.1357C>T (p.Arg453Cys)

Gene: MYH7 (myosin heavy chain 7; minus strand). Cytogenetic location: 14q11.2.
Variant type: single nucleotide variant.
Coding change: c.1357C>T on transcript NM_000257.4 (MANE Select); coding-DNA position 1357, C replaced by T.
Protein change: p.Arg453Cys; replaces arginine 453 with cysteine.
Molecular consequence: missense variant.
Genome position (GRCh38, 1-based): chr14:23,429,005, G>A on the plus strand (C>T on the coding strand, the complement: MYH7 is on the minus strand). VCF-style: chr14-23429005-G-A. GRCh37 (hg19) VCF-style: chr14-23898214-G-A.
Other names: p.R453C:CGC>TGC; NM_000257.3(MYH7):c.1357C>T; c.1357C>T (NM_001407004.1); short protein forms R453C.
Identifiers: ClinVar variation 14089 (VCV000014089.54), dbSNP rs121913625, ClinGen allele CA010630.
Genomic context (GRCh38, chr14:23,429,005, plus strand): 5'-CCCAACTCACATCGAAGATCTCGAAGCCAGCGATGTCCAGGACTCCTATGAAGTACTGGC[G>A]TGGCTGCTTGGTCTCCAGGGTGGCATTGATGCGCGTCACCATCCAGTTGAACATCCTCTC-3'
Protein context (NP_000248.2, residues 443-463): INATLETKQP[Arg453Cys]QYFIGVLDIA

ClinVar aggregate classification (germline): Pathogenic. Review status: reviewed by expert panel (3 of 4 stars). 30 submissions from 30 submitters: Pathogenic (1). 29 of the submissions do not count toward it. Last evaluated 2016-12-15.

Conditions:
MYH7-related disorder. Also called: MYH7-related disorders; MYH7-related condition; MYH7-related disease.
Cardiovascular phenotype. Identifiers: MedGen CN230736.
Cardiomyopathy (CMYO). Also called: Cardiomyopathies. Identifiers: Orphanet 167848, MedGen C0878544, MONDO:0004994, HP:0001638. Inheritance: Various modes of inheritance.
Hypertrophic cardiomyopathy 1 (CMH1). Also called: Familial hypertrophic cardiomyopathy 1; MYH7-Related Familial Hypertrophic Cardiomyopathy. Identifiers: MedGen C3495498, MONDO:0008647, OMIM 192600.
Primary dilated cardiomyopathy (DCM). Also called: Dilated Cardiomyopathy. Identifiers: Orphanet 217604, MedGen C0007193, MeSH D002311, MONDO:0005021, HP:0001644. Inheritance: Various modes of inheritance.
Primary familial hypertrophic cardiomyopathy (HCM). Identifiers: Orphanet 99739, MedGen C0949658, MeSH D024741, MONDO:0024573. Inheritance: Various modes of inheritance.
Hypertrophic cardiomyopathy. Also called: HYPERTROPHIC MYOCARDIOPATHY. Identifiers: Orphanet 217569, MedGen C0007194, MeSH D002312, MONDO:0005045, HP:0001639.

Allele frequency attached by ClinVar (database versions not stated): gnomAD 0.00001; gnomAD exomes 0.00001.
gnomAD v4.1: 6 of 1,614,098 alleles (0.00037%); highest among the groups gnomAD compares: East Asian, 0.0022%; no homozygotes.

Submissions 1 to 7 of 30:

ClinGen Cardiomyopathy Variant Curation Expert Panel
Classification: Pathogenic for Hypertrophic cardiomyopathy. Last evaluated: 2016-12-15. Review status: reviewed by expert panel. Criteria: ClinGen CMP ACMG Specifications v1. Collection method: curation. Allele origin: germline. Inheritance: Autosomal dominant inheritance.
Comment: The c.1357C>T (p.Arg453Cys) variant in MYH7 has been reported in >25 individuals with hypertrophic cardiomyopathy (PS4; PMID:8655135; PMID:10662815; PMID:11133230; PMID:12084606; PMID:12881443; PMID:17599605; PMID:23349452; PMID: 27532257; Partners LMM ClinVar SCV000059368.5; AGCMC Sydney ClinVar SCV000212633.1; SHaRe consortium, PMID: 30297972). This variant has been identified as an unconfirmed de novo occurrence in 3 individuals with hypertrophic cardiomyopathy (PM6_Strong; Partners LMM ClinVar SCV000059368.5). This variant segregated with disease in >10 affected individuals (PP1_Strong: PMID:8655135; PMID:10662815; PMID:11133230; Partners LMM ClinVar SCV000059368.5; AGCMC Sydney ClinVar SCV000212633.1). This variant was absent from large population studies (PM2). In vitro functional studies provide some evidence that this variant impacts protein function (PS2; PMID:23798412; PMID:24344137). This variant lies in the head region of the protein (aa 181-937) and missense variants in this region are statistically more likely to be disease-associated (PM1; PMID:27532257). Computational prediction tools and conservation analysis suggest that this variant may impact the protein (PP3). In summary, this variant meets criteria to be classified as pathogenic for hypertrophic cardiomyopathy in an autosomal dominant manner. MYH7-specific ACMG/AMP criteria applied (PMID:29300372): PS3; PS4; PM6_Strong; PP1_ Strong; PM1; PM2; PP3

CeGaT Center for Human Genetics Tuebingen
Classification: Pathogenic. Last evaluated: 2026-05-01. Review status: criteria provided, single submitter. Criteria: CeGaT Center For Human Genetics Tuebingen Variant Classification Criteria Version 2. Collection method: clinical testing. Allele origin: germline. Affected: yes. Observed: 1 variant allele. Not counted in ClinVar's aggregate classification.
Comment: MYH7: PP1:Strong, PS4, PM2, PM5, PP3, PS3:Supporting

Labcorp Genetics (formerly Invitae), Labcorp
Classification: Pathogenic for Hypertrophic cardiomyopathy. Last evaluated: 2026-01-26. Review status: criteria provided, single submitter. Criteria: Invitae Variant Classification Sherloc (09022015). Collection method: clinical testing. Allele origin: germline. Not counted in ClinVar's aggregate classification.
Comment: This sequence change replaces arginine, which is basic and polar, with cysteine, which is neutral and slightly polar, at codon 453 of the MYH7 protein (p.Arg453Cys). This variant is not present in population databases (gnomAD no frequency). This missense change has been observed in individuals with hypertrophic cardiomyopathy (PMID: 1552912, 1739523, 1975599, 8250038, 11133230, 12975413, 17599605, 20031618, 23283745, 24093860, 24111713). It has also been observed to segregate with disease in related individuals. ClinVar contains an entry for this variant (Variation ID: 14089). Invitae Evidence Modeling of protein sequence and biophysical properties (such as structural, functional, and spatial information, amino acid conservation, physicochemical variation, residue mobility, and thermodynamic stability) indicates that this missense variant is expected to disrupt MYH7 protein function with a positive predictive value of 95%. Experimental studies have shown that this missense change affects MYH7 function (PMID: 15001446, 17351073, 23798412, 24344137). This variant disrupts the p.Arg453 amino acid residue in MYH7. Other variant(s) that disrupt this residue have been determined to be pathogenic (PMID: 15858117). This suggests that this residue is clinically significant, and that variants that disrupt this residue are likely to be disease-causing. For these reasons, this variant has been classified as Pathogenic.

Institute of Human Genetics, FAU Erlangen, Friedrich-Alexander-Universität Erlangen-Nürnberg
Classification: Pathogenic for Hypertrophic cardiomyopathy 1. Last evaluated: 2025-06-11. Review status: criteria provided, single submitter. Criteria: Hauer et al. (Genet Med. 2018). Collection method: clinical testing. Allele origin: germline. Inheritance: Unknown mechanism. Affected: yes. Observed: 1 variant allele. Not counted in ClinVar's aggregate classification.
Comment: This variant has been identified by standard clinical testing.

Color Diagnostics, LLC DBA Color Health
Classification: Pathogenic for Cardiomyopathy. Last evaluated: 2025-06-09. Review status: criteria provided, single submitter. Criteria: ACMG Guidelines, 2015. Collection method: clinical testing. Allele origin: germline. Not counted in ClinVar's aggregate classification.
Comment: This missense variant replaces arginine with cysteine at codon 453 of the MYH7 protein. This variant is found within a highly conserved region of the myosin head domain. Missense variants in this region have been shown to be significantly overrepresented in individuals with affected with hypertrophic cardiomyopathy (PMID: 27532257). Computational prediction suggests that this variant may have a deleterious impact on protein structure and function. Functional studies shown that this variant alters kinetic parameters of the human cardiac myosin protein and results in the increased intrinsic force of the myosin motor proteins compared with wild type, which is thought to cause a hypercontractile state of the heart muscle (PMID: 23798412, 24344137). This variant has been reported in over 30 individuals affected with hypertrophic cardiomyopathy (PMID: 8655135, 10662815, 11133230, 23349452, 24093860, 24111713, 27532257, 29907873), and has been reported to occur de novo in several affected individuals (PMID: 10662815, 32013205ClinVar SCV000059368.5). This variant has been shown a strong co-segregation with disease in family studies (PMID: 8655135, 10662815, 11133230). In particular, this variant was observed in 8 individuals from a Chinese family affected with malignant familial hypertrophic cardiomyopathy with the average age of death in the affected family members being 34 years old (PMID: 8655135). This variant has not been identified in the general population by the Genome Aggregation Database (gnomAD). Different variants affecting the same codon, (p.Arg453His, p.Arg453Ser, p.Arg453Leu), are considered to be disease-causing (ClinVar variation ID: 42838, 14129, 235026), suggesting that arginine at this position is important for MYH7 protein function. Based on the available evidence, this variant is classified as Pathogenic.

Blueprint Genetics
Classification: Pathogenic for MYH7-related disorders. Last evaluated: 2024-10-17. Review status: criteria provided, single submitter. Criteria: ACMG Guidelines, 2015. Collection method: clinical testing. Allele origin: germline. Affected: yes. Observed: 5 variant alleles. Not counted in ClinVar's aggregate classification.

3billion
Classification: Pathogenic for Hypertrophic cardiomyopathy 1. Last evaluated: 2024-06-12. Review status: criteria provided, single submitter. Criteria: ACMG Guidelines, 2015. Collection method: clinical testing. Allele origin: germline. Affected: yes. Not counted in ClinVar's aggregate classification.
Comment: The variant is observed at an extremely low frequency in the gnomAD v4.0.0 dataset (total allele frequency: <0.001%). Predicted Consequence/Location: The variant is located in a mutational hot spot and/or well-established functional domain in which established pathogenic variants have been reported (PMID: 29300372). In silico tool predictions suggest damaging effect of the variant on gene or gene product [REVEL: 0.88 (>=0.6, sensitivity 0.68 and specificity 0.92); 3Cnet: 0.92 (>=0.6, sensitivity 0.72 and precision 0.9)]. The same nucleotide change resulting in the same amino acid change has been previously reported as pathogenic/likely pathogenic with strong evidence (ClinVar ID: VCV000014089 /PMID: 12951062, 1552912). Different missense changes at the same codon (p.Arg453His, p.Arg453Leu, p.Arg453Pro, p.Arg453Ser) have been reported as pathogenic/likely pathogenic with strong evidence (ClinVar ID: VCV000014129, VCV000042838, VCV000235026 /PMID: 15858117, 18175163, 31006259). Therefore, this variant is classified as Pathogenic according to the recommendation of ACMG/AMP guideline.